The following is an entry in ClinVar:

NM_001034853.2(RPGR):c.1245+6A>G

Gene: RPGR (retinitis pigmentosa GTPase regulator; minus strand). Cytogenetic location: Xp11.4.
Variant type: single nucleotide variant.
Coding change: c.1245+6A>G on transcript NM_001034853.2 (MANE Select); 6 bases into the intron after coding-DNA position 1245, A replaced by G.
Molecular consequence: intron variant.
Genome position (GRCh38, 1-based): chrX:38,298,950, T>C on the plus strand (A>G on the coding strand, the complement: RPGR is on the minus strand). VCF-style: chrX-38298950-T-C. GRCh37 (hg19) VCF-style: chrX-38158203-T-C.
Other names: c.1242+6A>G (NM_001367249.1, NM_001367250.1, NM_001367245.1); c.1060-1498A>G (NM_001367251.1, NM_001367246.1); c.1245+6A>G (NM_001367247.1, NM_000328.3); c.1275+6A>G (NM_001367248.1).
Identifiers: ClinVar variation 255831 (VCV000255831.12), dbSNP rs886038281, ClinGen allele CA10587391.
Genomic context (GRCh38, chrX:38,298,950, plus strand): 5'-TTTTTTCTTCTAGTTTTCTTTGCAGTGCTAGATAATACTATTATACAGAATAGGCCACAA[T>C]TGTACCCTCTCTCTTCGCCGCATACGTGCTGATAGAGTCCTCTGCAGTACATTTCCTGAG-3'

ClinVar aggregate classification (germline): Likely benign. Review status: reviewed by expert panel (3 of 4 stars). 4 submissions from 4 submitters: Likely benign (1). 3 of the submissions do not count toward it. Last evaluated 2025-08-01.

Conditions:
RPGR-related retinopathy. Also called: RPGR retinopathy. Identifiers: MedGen CN305589, MONDO:0100437.
Primary ciliary dyskinesia. Also called: Ciliary dyskinesia. Identifiers: Orphanet 244, MedGen C0008780, MONDO:0016575, HP:0012265.

Allele frequency attached by ClinVar (database versions not stated): gnomAD exomes below 0.00001; gnomAD 0.00005; TOPMed 0.00005.
gnomAD v4.1: 7 of 1,208,885 alleles (0.00058%); highest among the groups gnomAD compares: African/African-American, 0.0087%; no homozygotes.

Submissions (4):

ClinGen X-linked Inherited Retinal Disease Variant Curation Expert Panel, ClinGen
Classification: Likely benign for RPGR-related retinopathy. Last evaluated: 2025-08-01. Review status: reviewed by expert panel. Criteria: ClinGen X LinkedIRD ACMG Specifications RPGR V1.0.0. Collection method: curation. Allele origin: germline. Inheritance: X-linked inheritance.
Comment: NM_001034853.2(RPGR):c.1245+6A>G is an intron 10 variant located 6 nucleotides after exon 10. This variant is present in gnomAD v.4.1.0 at a frequency of 0.000005045 among hemizygous individuals, with 2 variant alleles / 396,433 total alleles, which is higher than the ClinGen X-linked IRD VCEP BS1 threshold of >0.000005 (BS1). The splicing impact predictor SpliceAI gives a delta score of 0.14 for donor gain, which is below the ClinGen X-linked IRD VCEP recommended PP3 threshold of >0.2 but above the BP4 threshold of <0.1, so neither PP3 nor BP4 is met. In summary, this variant is classified as likely benign for RPGR-related retinopathy based on the ClinGen X-linked Inherited Retinal Disease Expert Panel Specifications to the ACMG/AMP Variant Interpretation Guidelines for RPGR Version 1.0.0; BS1. (date of approval 05/16/2025).

Labcorp Genetics (formerly Invitae), Labcorp
Classification: Uncertain significance for Primary ciliary dyskinesia. Last evaluated: 2024-11-13. Review status: criteria provided, single submitter. Criteria: Invitae Variant Classification Sherloc (09022015). Collection method: clinical testing. Allele origin: germline. Not counted in ClinVar's aggregate classification.
Comment: This sequence change falls in intron 10 of the RPGR gene. It does not directly change the encoded amino acid sequence of the RPGR protein. It affects a nucleotide within the consensus splice site. This variant is not present in population databases (gnomAD no frequency). This variant has not been reported in the literature in individuals affected with RPGR-related conditions. ClinVar contains an entry for this variant (Variation ID: 255831). Variants that disrupt the consensus splice site are a relatively common cause of aberrant splicing (PMID: 17576681, 9536098). Algorithms developed to predict the effect of sequence changes on RNA splicing suggest that this variant is not likely to affect RNA splicing. In summary, the available evidence is currently insufficient to determine the role of this variant in disease. Therefore, it has been classified as a Variant of Uncertain Significance.

Blueprint Genetics
Classification: Uncertain significance. Last evaluated: 2023-04-11. Review status: criteria provided, single submitter. Criteria: ACMG Guidelines, 2015. Collection method: clinical testing. Allele origin: germline. Not counted in ClinVar's aggregate classification.

PreventionGenetics, part of Exact Sciences
Classification: Likely benign. Review status: criteria provided, single submitter. Criteria: ACMG Guidelines, 2015. Collection method: clinical testing. Allele origin: germline. Not counted in ClinVar's aggregate classification.

Literature cited by the submitters: PubMed 17576681 (cited by Labcorp Genetics (formerly Invitae), Labcorp); PubMed 9536098 (cited by Labcorp Genetics (formerly Invitae), Labcorp).